The following is an entry in ClinVar:

ClinVar aggregate classification (germline): Likely pathogenic. Review status: criteria provided, multiple submitters, no conflicts (2 of 4 stars). 2 submissions from 2 submitters: Likely pathogenic (2). Last evaluated 2025-02-07.

Conditions:
Gaucher disease. Also called: Acute cerebral Gaucher disease; Cerebroside lipidosis syndrome; Gaucher splenomegaly; Sphingolipidosis 1; Glucocerebrosidosis; Glucosylceramidase deficiency. Identifiers: Orphanet 355, MedGen C0017205, MONDO:0018150.
Lewy body dementia (DLB). Also called: Lewy Body Disease. Identifiers: MedGen C0752347, MONDO:0007488, OMIM 127750.
Gaucher disease type I (GD1). Also called: GD 1; Type 1 Gaucher Disease; ACID BETA-GLUCOSIDASE DEFICIENCY; GAUCHER DISEASE, NONCEREBRAL JUVENILE; GBA DEFICIENCY; GD I. Identifiers: Orphanet 355, Orphanet 77259, MedGen C1961835, MONDO:0009265, OMIM 230800.
Parkinson disease, late-onset (PD). Also called: Hereditary late onset Parkinson disease; Susceptibility to Parkinson's Disease; PARKINSON DISEASE, LATE-ONSET, SUSCEPTIBILITY TO. Identifiers: Orphanet 411602, MedGen C3160718, MONDO:0008199, OMIM 168600.
Gaucher disease type II (GD2). Also called: Type 2 Gaucher disease (Acute; Infantile); GAUCHER DISEASE, ACUTE NEURONOPATHIC TYPE; GD II; Acute neuronopathic Gaucher's disease. Identifiers: Orphanet 77260, MedGen C0268250, MONDO:0009266, OMIM 230900.
Gaucher disease type III. Also called: Gaucher Disease, Type 3; Type 3 Gaucher disease (Subacute; Juvenile); GAUCHER DISEASE, CHRONIC NEURONOPATHIC TYPE; GAUCHER DISEASE, JUVENILE AND ADULT, CEREBRAL; GAUCHER DISEASE, SUBACUTE NEURONOPATHIC TYPE; GD III. Identifiers: Orphanet 355, Orphanet 77261, MedGen C0268251, MONDO:0009267, OMIM 231000.
Gaucher disease perinatal lethal. Also called: Gaucher disease collodion type; Gaucher Disease, Perinatal-Lethal Form. Identifiers: Orphanet 85212, MedGen C1842704, MONDO:0011945, OMIM 608013.
Gaucher disease-ophthalmoplegia-cardiovascular calcification syndrome. Also called: GAUCHER DISEASE, TYPE IIIC. Identifiers: Orphanet 2072, MedGen C1856476, MONDO:0009268, OMIM 231005.

Submissions (2):

Natera, Inc.
Classification: Likely pathogenic for Gaucher disease. Last evaluated: 2025-02-07. Review status: criteria provided, single submitter. Criteria: Natera Variant Classification Schema (03/2026). Collection method: clinical testing. Allele origin: germline.
Comment: The c.1353C>G variant in GBA1 is a nonsense variant predicted to introduce a stop codon at amino acid 451. This variant is expected to result in nonsense mediated decay, truncation, or a dysfunctional protein product. This variant is rare in the general population with a frequency below the threshold expected for the associated phenotype(s). Given the available evidence, this variant is classified as Likely Pathogenic.

Juno Genomics, Hangzhou Juno Genomics, Inc
Classification: Likely pathogenic for Lewy body dementia; Parkinson disease, late-onset; Gaucher disease perinatal lethal; Gaucher disease type I; Gaucher disease type II; Gaucher disease type III; Gaucher disease-ophthalmoplegia-cardiovascular calcification syndrome. Review status: criteria provided, single submitter. Criteria: ACMG Guidelines, 2015. Collection method: clinical testing. Allele origin: germline.
Comment: Null variant in a gene where loss of function (LOF) is a known mechanism of disease.;Absent from controls (or at extremely low frequency if recessive) in Genome Aggregation Database.

NM_000157.4(GBA1):c.1353C>G (p.Tyr451Ter)

Genes: GBA1 (glucosylceramidase beta 1; minus strand), LOC106627981 (GBA recombination region; plus strand). Cytogenetic location: 1q22.
Variant type: single nucleotide variant.
Coding change: c.1353C>G on transcript NM_000157.4 (MANE Select); coding-DNA position 1353, C replaced by G.
Protein change: p.Tyr451Ter; replaces tyrosine 451 with a stop codon.
Molecular consequence: nonsense.
Genome position (GRCh38, 1-based): chr1:155,235,716, G>C on the plus strand (C>G on the coding strand, the complement: GBA1 is on the minus strand). VCF-style: chr1-155235716-G-C. GRCh37 (hg19) VCF-style: chr1-155205507-G-C.
Other names: c.1353C>G, p.Tyr451Ter (NM_001005741.3, NM_001005742.3); c.1092C>G, p.Tyr364Ter (NM_001171811.2); c.1206C>G, p.Tyr402Ter (NM_001171812.2); short protein forms Y364*, Y402*, Y451*.
Identifiers: ClinVar variation 4817717 (VCV004817717.3).